The following is an entry in ClinVar:

ClinVar aggregate classification (germline): Uncertain significance (1 of 4 stars; one submission).

Conditions:
Congenital myasthenic syndrome 8. Also called: MYASTHENIC SYNDROME, CONGENITAL, DUE TO AGRIN DEFICIENCY; Myasthenic syndrome, congenital, 8, with pre- and postsynaptic defects. Identifiers: Orphanet 590, MedGen C3808739, MONDO:0014052, OMIM 615120.

Allele frequency attached by ClinVar (database versions not stated): ExAC 0.00001; gnomAD exomes 0.00004; gnomAD 0.00006 and 0.00007.
gnomAD v4.1: 83 of 1,547,896 alleles (0.0054%); highest among the groups gnomAD compares: African/African-American, 0.0096%; no homozygotes.

Submission:

Labcorp Genetics (formerly Invitae), Labcorp
Classification: Uncertain significance for Congenital myasthenic syndrome 8. Last evaluated: 2024-11-18. Review status: criteria provided, single submitter. Criteria: Invitae Variant Classification Sherloc (09022015). Collection method: clinical testing. Allele origin: germline.
Comment: This sequence change replaces cysteine, which is neutral and slightly polar, with serine, which is neutral and polar, at codon 1624 of the AGRN protein (p.Cys1624Ser). This variant is present in population databases (rs758206649, gnomAD 0.02%). This variant has not been reported in the literature in individuals affected with AGRN-related conditions. ClinVar contains an entry for this variant (Variation ID: 1470531). An algorithm developed to predict the effect of missense changes on protein structure and function (PolyPhen-2) suggests that this variant is likely to be disruptive. In summary, the available evidence is currently insufficient to determine the role of this variant in disease. Therefore, it has been classified as a Variant of Uncertain Significance.

NM_198576.4(AGRN):c.4871G>C (p.Cys1624Ser)

Gene: AGRN (agrin; plus strand). Cytogenetic location: 1p36.33.
Variant type: single nucleotide variant.
Coding change: c.4871G>C on transcript NM_198576.4 (MANE Select); coding-DNA position 4871, G replaced by C.
Protein change: p.Cys1624Ser; replaces cysteine 1624 with serine.
Molecular consequence: missense variant.
Genome position (GRCh38, 1-based): chr1:1,050,029, G>C. VCF-style: chr1-1050029-G-C. GRCh37 (hg19) VCF-style: chr1-985409-G-C.
Other names: c.4871G>C, p.Cys1624Ser (NM_001305275.2); c.4556G>C, p.Cys1519Ser (NM_001364727.2); short protein forms C1519S, C1624S.
Identifiers: ClinVar variation 1470531 (VCV001470531.4), dbSNP rs758206649, ClinGen allele CA509668.